The following is an entry in ClinVar:

ClinVar aggregate classification (germline): Uncertain significance (1 of 4 stars; one submission).

Conditions:
Arrhythmogenic right ventricular dysplasia 13. Also called: ARRHYTHMOGENIC RIGHT VENTRICULAR CARDIOMYOPATHY 13; Arrhythmogenic right ventricular dysplasia, familial, 13. Identifiers: MedGen C3810138, MONDO:0000908, OMIM 615616.

Submission:

Labcorp Genetics (formerly Invitae), Labcorp
Classification: Uncertain significance for Arrhythmogenic right ventricular dysplasia 13. Last evaluated: 2021-12-17. Review status: criteria provided, single submitter. Criteria: Invitae Variant Classification Sherloc (09022015). Collection method: clinical testing. Allele origin: germline.
Comment: This sequence change replaces cysteine, which is neutral and slightly polar, with phenylalanine, which is neutral and non-polar, at codon 761 of the CTNNA3 protein (p.Cys761Phe). This variant is not present in population databases (gnomAD no frequency). This variant has not been reported in the literature in individuals affected with CTNNA3-related conditions. Algorithms developed to predict the effect of missense changes on protein structure and function are either unavailable or do not agree on the potential impact of this missense change (SIFT: "Deleterious"; PolyPhen-2: "Not Available"; Align-GVGD: "Class C0"). In summary, the available evidence is currently insufficient to determine the role of this variant in disease. Therefore, it has been classified as a Variant of Uncertain Significance.

NM_013266.4(CTNNA3):c.2282G>T (p.Cys761Phe)

Gene: CTNNA3 (catenin alpha 3; minus strand). Cytogenetic location: 10q21.3.
Variant type: single nucleotide variant.
Coding change: c.2282G>T on transcript NM_013266.4 (MANE Select); coding-DNA position 2282, G replaced by T.
Protein change: p.Cys761Phe; replaces cysteine 761 with phenylalanine.
Molecular consequence: missense variant.
Genome position (GRCh38, 1-based): chr10:65,966,730, C>A on the plus strand (G>T on the coding strand, the complement: CTNNA3 is on the minus strand). VCF-style: chr10-65966730-C-A. GRCh37 (hg19) VCF-style: chr10-67726488-C-A.
Other names: c.2282G>T, p.Cys761Phe (NM_001127384.3); short protein forms C761F.
Identifiers: ClinVar variation 2044982 (VCV002044982.4), dbSNP rs1371478884, ClinGen allele CA377090140.